The following is an entry in ClinVar:

NM_014014.5(SNRNP200):c.3031G>A (p.Glu1011Lys)

Gene: SNRNP200 (small nuclear ribonucleoprotein U5 subunit 200; minus strand). Cytogenetic location: 2q11.2.
Variant type: single nucleotide variant.
Coding change: c.3031G>A on transcript NM_014014.5 (MANE Select); coding-DNA position 3031, G replaced by A.
Protein change: p.Glu1011Lys; replaces glutamic acid 1011 with lysine.
Molecular consequence: missense variant.
Genome position (GRCh38, 1-based): chr2:96,289,289, C>T on the plus strand (G>A on the coding strand, the complement: SNRNP200 is on the minus strand). VCF-style: chr2-96289289-C-T. GRCh37 (hg19) VCF-style: chr2-96955027-C-T.
Other names: short protein forms E1011K.
Identifiers: ClinVar variation 1924657 (VCV001924657.5), dbSNP rs901145711, ClinGen allele CA52396444.
Genomic context (GRCh38, chr2:96,289,289, plus strand): 5'-CTCTCACTGTGATGTTCTTGAACTCAGAGGACAATGAGAAGACCCTGAAAAGCTCAATCT[C>T]ACTCAGGGTGGGCTTCAGCAGCTGGTTGTAAGTCTGCACTGTATCATTGGTGATGTAGTA-3'
Protein context (NP_054733.2, residues 1001-1021): YNQLLKPTLS[Glu1011Lys]IELFRVFSLS

ClinVar aggregate classification (germline): Uncertain significance (1 of 4 stars; one submission).

Allele frequency attached by ClinVar (database versions not stated): gnomAD exomes 0.00001; gnomAD 0.00002; TOPMed 0.00003.
gnomAD v4.1: 27 of 1,614,094 alleles (0.0017%); highest among the groups gnomAD compares: Non-Finnish European, 0.0019%; no homozygotes.

Submission:

Labcorp Genetics (formerly Invitae), Labcorp
Classification: Uncertain significance. Last evaluated: 2025-08-17. Review status: criteria provided, single submitter. Criteria: Invitae Variant Classification Sherloc (09022015). Collection method: clinical testing. Allele origin: germline.
Comment: This sequence change replaces glutamic acid, which is acidic and polar, with lysine, which is basic and polar, at codon 1011 of the SNRNP200 protein (p.Glu1011Lys). This variant is not present in population databases (gnomAD no frequency). This variant has not been reported in the literature in individuals affected with SNRNP200-related conditions. ClinVar contains an entry for this variant (Variation ID: 1924657). Invitae Evidence Modeling of protein sequence and biophysical properties (such as structural, functional, and spatial information, amino acid conservation, physicochemical variation, residue mobility, and thermodynamic stability) has been performed for this missense variant. However, the output from this modeling did not meet the statistical confidence thresholds required to predict the impact of this variant on SNRNP200 protein function. In summary, the available evidence is currently insufficient to determine the role of this variant in disease. Therefore, it has been classified as a Variant of Uncertain Significance.